The following is an entry in ClinVar:

NM_006892.4(DNMT3B):c.1705G>A (p.Ala569Thr)

Genes: DNMT3B (DNA methyltransferase 3 beta; plus strand), LOC126863014 (CDK7 strongly-dependent group 2 enhancer GRCh37_chr20:31385992-31387191; plus strand). Cytogenetic location: 20q11.21.
Variant type: single nucleotide variant.
Coding change: c.1705G>A on transcript NM_006892.4 (MANE Select); coding-DNA position 1705, G replaced by A.
Protein change: p.Ala569Thr; replaces alanine 569 with threonine.
Molecular consequence: missense variant.
Genome position (GRCh38, 1-based): chr20:32,799,274, G>A. VCF-style: chr20-32799274-G-A. GRCh37 (hg19) VCF-style: chr20-31387080-G-A.
Other names: c.1519G>A, p.Ala507Thr (NM_001207055.2); c.1417G>A, p.Ala473Thr (NM_001207056.2); c.1645G>A, p.Ala549Thr (NM_175848.2, NM_175849.2); c.1681G>A, p.Ala561Thr (NM_175850.3); short protein forms A473T, A507T, A549T, A561T, A569T.
Identifiers: ClinVar variation 2231788 (VCV002231788.3), dbSNP rs1007955291, ClinGen allele CA313154678.

ClinVar aggregate classification (germline): Uncertain significance. Review status: criteria provided, multiple submitters, no conflicts (2 of 4 stars). 2 submissions from 2 submitters: Uncertain significance (2). Last evaluated 2022-05-12.

Conditions:
Inborn genetic diseases. Identifiers: MedGen C0950123, MeSH D030342.
Centromeric instability of chromosomes 1,9 and 16 and immunodeficiency (ICF1). Also called: Immunodeficiency-centromeric instability-facial anomalies; IMMUNE DEFICIENCY, VARIABLE, WITH CENTROMERIC INSTABILITY OF CHROMOSOMES 1, 9, AND 16; IMMUNODEFICIENCY SYNDROME, VARIABLE; CENTROMERIC INSTABILITY, IMMUNODEFICIENCY SYNDROME. Identifiers: Orphanet 2268, MedGen C0398788, MONDO:0000133.

Allele frequency attached by ClinVar (database versions not stated): TOPMed below 0.00001; gnomAD 0.00001.
gnomAD v4.1: 12 of 1,613,190 alleles (0.00074%); highest among the groups gnomAD compares: South Asian, 0.0011%; no homozygotes.

Submissions (2):

Labcorp Genetics (formerly Invitae), Labcorp
Classification: Uncertain significance for Centromeric instability of chromosomes 1,9 and 16 and immunodeficiency. Last evaluated: 2022-05-12. Review status: criteria provided, single submitter. Criteria: Invitae Variant Classification Sherloc (09022015). Collection method: clinical testing. Allele origin: germline.
Comment: This sequence change replaces alanine, which is neutral and non-polar, with threonine, which is neutral and polar, at codon 569 of the DNMT3B protein (p.Ala569Thr). The frequency data for this variant in the population databases is considered unreliable, as metrics indicate poor data quality at this position in the gnomAD database. This variant has not been reported in the literature in individuals affected with DNMT3B-related conditions. Algorithms developed to predict the effect of missense changes on protein structure and function are either unavailable or do not agree on the potential impact of this missense change (SIFT: "Deleterious"; PolyPhen-2: "Probably Damaging"; Align-GVGD: "Class C0"). In summary, the available evidence is currently insufficient to determine the role of this variant in disease. Therefore, it has been classified as a Variant of Uncertain Significance.

Ambry Genetics
Classification: Uncertain significance for Inborn genetic diseases. Last evaluated: 2021-07-13. Review status: criteria provided, single submitter. Criteria: Ambry Variant Classification Scheme 2023. Collection method: clinical testing. Allele origin: germline.
Comment: Lelieveld, 2016 Based on insufficient or conflicting evidence, the clinical significance of this alteration remains unclear.

Literature cited by the submitters: PubMed 27479843 (cited by Ambry Genetics).